The following is an entry in ClinVar:

NM_001330691.3(CEP78):c.440C>A (p.Ser147Ter)

Gene: CEP78 (centrosomal protein 78; plus strand). Cytogenetic location: 9q21.2.
Variant type: single nucleotide variant.
Coding change: c.440C>A on transcript NM_001330691.3 (MANE Select); coding-DNA position 440, C replaced by A.
Protein change: p.Ser147Ter; replaces serine 147 with a stop codon.
Molecular consequence: nonsense.
Genome position (GRCh38, 1-based): chr9:78,240,305, C>A. VCF-style: chr9-78240305-C-A. GRCh37 (hg19) VCF-style: chr9-80855221-C-A.
Other names: c.440C>A, p.Ser147Ter (NM_001098802.3, NM_001330693.3, NM_001330694.2 and 4 more transcripts); short protein forms S147*.
Identifiers: ClinVar variation 1074448 (VCV001074448.7), dbSNP rs759754640, ClinGen allele CA5094915.

ClinVar aggregate classification (germline): Pathogenic (1 of 4 stars; one submission).

Allele frequency attached by ClinVar (database versions not stated): gnomAD exomes 0.00002; ExAC 0.00003.
gnomAD v4.1: 19 of 1,601,136 alleles (0.0012%); highest among the groups gnomAD compares: Admixed American, 0.0052%; no homozygotes.

Submission:

Labcorp Genetics (formerly Invitae), Labcorp
Classification: Pathogenic. Last evaluated: 2025-11-06. Review status: criteria provided, single submitter. Criteria: Invitae Variant Classification Sherloc (09022015). Collection method: clinical testing. Allele origin: germline.
Comment: This sequence change creates a premature translational stop signal (p.Ser147*) in the CEP78 gene. It is expected to result in an absent or disrupted protein product. Loss-of-function variants in CEP78 are known to be pathogenic (PMID: 27588451, 27588452, 32531858, 33879512, 34223797, 35240912, 37734845, 38780195). The frequency data for this variant in the population databases is considered unreliable, as metrics indicate poor data quality at this position in the gnomAD database. This variant has not been reported in the literature in individuals affected with CEP78-related conditions. ClinVar contains an entry for this variant (Variation ID: 1074448). Algorithms developed to predict the effect of sequence changes on RNA splicing suggest that this variant may disrupt the consensus splice site. For these reasons, this variant has been classified as Pathogenic.

Literature cited by the submitters: PubMed 27588451; PubMed 27588452; PubMed 32531858; PubMed 33879512; PubMed 34223797; PubMed 35240912; PubMed 37734845; PubMed 38780195.